The following is an entry in ClinVar:

ClinVar aggregate classification (germline): Conflicting classifications of pathogenicity. Review status: criteria provided, conflicting classifications (1 of 4 stars). 2 submissions from 2 submitters: Uncertain significance (1); Likely benign (1). Last evaluated 2023-03-23.

Conditions:
Hereditary cancer-predisposing syndrome. Also called: Hereditary Cancer Syndrome; Hereditary neoplastic syndrome; Neoplastic Syndromes, Hereditary; Tumor predisposition. Identifiers: Orphanet 140162, MedGen C0027672, MeSH D009386, MONDO:0015356.

Submissions (2):

University of Washington Department of Laboratory Medicine, University of Washington
Classification: Likely benign for Hereditary cancer-predisposing syndrome. Last evaluated: 2023-03-23. Review status: criteria provided, single submitter. Criteria: Dines et al. (Genet Med. 2020). Collection method: curation. Allele origin: germline.
Comment: Missense variant in a coldspot region where missense variants are very unlikely to be pathogenic (PMID:31911673).

BRCA2 exon 11 coldspot. Reclassification based on statistical prior probability.

Ambry Genetics
Classification: Uncertain significance for Hereditary cancer-predisposing syndrome. Last evaluated: 2015-11-17. Review status: criteria provided, single submitter. Criteria: Ambry Variant Classification Scheme 2023. Collection method: clinical testing. Allele origin: germline.
Comment: The p.C1348R variant (also known as c.4042T>C), located in coding exon 10 of the BRCA2 gene, results from a T to C substitution at nucleotide position 4042. The cysteine at codon 1348 is replaced by arginine, an amino acid with highly dissimilar properties. This variant was not reported in population based cohorts in the following databases: Database of Single Nucleotide Polymorphisms (dbSNP), NHLBI Exome Sequencing Project (ESP), and 1000 Genomes Project. In the ESP, this variant was not observed in 6501 samples (13002 alleles) with coverage at this position. To date, this alteration has been detected with an allele frequency of approximately 0.0004% (greater than 225000 alleles tested) in our clinical cohort. This amino acid position is poorly conserved in available vertebrate species. In addition, this alteration is predicted to be tolerated by in silico analysis. Since supporting evidence is limited at this time, the clinical significance of p.C1348R remains unclear.

NM_000059.4(BRCA2):c.4042T>C (p.Cys1348Arg)

Gene: BRCA2 (BRCA2 DNA repair associated; plus strand). Cytogenetic location: 13q13.1.
Variant type: single nucleotide variant.
Coding change: c.4042T>C on transcript NM_000059.4 (MANE Select); coding-DNA position 4042, T replaced by C.
Protein change: p.Cys1348Arg; replaces cysteine 1348 with arginine.
Molecular consequence: missense variant.
Genome position (GRCh38, 1-based): chr13:32,338,397, T>C. VCF-style: chr13-32338397-T-C. GRCh37 (hg19) VCF-style: chr13-32912534-T-C.
Other names: short protein forms C1348R.
Identifiers: ClinVar variation 441455 (VCV000441455.7), dbSNP rs199863034, ClinGen allele CA387779088.